The following is an entry in ClinVar:

NM_020631.6(PLEKHG5):c.1840G>C (p.Val614Leu)

Gene: PLEKHG5 (pleckstrin homology and RhoGEF domain containing G5; minus strand). Cytogenetic location: 1p36.31.
Variant type: single nucleotide variant.
Coding change: c.1840G>C on transcript NM_020631.6 (MANE Select); coding-DNA position 1840, G replaced by C.
Protein change: p.Val614Leu; replaces valine 614 with leucine.
Molecular consequence: missense variant.
Genome position (GRCh38, 1-based): chr1:6,469,637, C>G on the plus strand (G>C on the coding strand, the complement: PLEKHG5 is on the minus strand). VCF-style: chr1-6469637-C-G. GRCh37 (hg19) VCF-style: chr1-6529697-C-G.
Other names: c.1951G>C, p.Val651Leu (NM_001042663.3, NM_001265592.2); c.1840G>C, p.Val614Leu (NM_001042664.2, NM_001042665.2, NM_001265594.3 and 1 more transcripts); c.2047G>C, p.Val683Leu (NM_001265593.2); short protein forms V614L, V683L, V651L.
Identifiers: ClinVar variation 468898 (VCV000468898.8), dbSNP rs752514480, ClinGen allele CA561332.

ClinVar aggregate classification (germline): Uncertain significance. Review status: criteria provided, multiple submitters, no conflicts (2 of 4 stars). 3 submissions from 3 submitters: Uncertain significance (3). Last evaluated 2025-03-03.

Conditions:
Inborn genetic diseases. Identifiers: MedGen C0950123, MeSH D030342.
Charcot-Marie-Tooth disease recessive intermediate C. Also called: CHARCOT-MARIE-TOOTH NEUROPATHY, RECESSIVE INTERMEDIATE C. Identifiers: Orphanet 369867, MedGen C3809309, MONDO:0014154, OMIM 615376.
Neuronopathy, distal hereditary motor, autosomal recessive 4. Also called: Autosomal recessive lower motor neuron disease with childhood onset; NEUROPATHY, DISTAL HEREDITARY MOTOR, AUTOSOMAL RECESSIVE 4. Identifiers: Orphanet 206580, MedGen C1970211, MONDO:0012608, OMIM 611067.

Allele frequency attached by ClinVar (database versions not stated): TOPMed 0.00001.
gnomAD v4.1: 71 of 1,613,598 alleles (0.0044%); highest among the groups gnomAD compares: Non-Finnish European, 0.0058%; no homozygotes.

Submissions (3):

Women's Health and Genetics/Laboratory Corporation of America, LabCorp
Classification: Uncertain significance. Last evaluated: 2025-03-03. Review status: criteria provided, single submitter. Criteria: LabCorp Variant Classification Summary - May 2015. Collection method: clinical testing. Allele origin: germline.
Comment: Variant summary: PLEKHG5 c.1840G>C (p.Val614Leu) results in a conservative amino acid change in the encoded protein sequence. Two of four in-silico tools predict a benign effect of the variant on protein function. The variant allele was found at a frequency of 5.2e-05 in 251064 control chromosomes. This frequency is not significantly higher than estimated for a pathogenic variant in PLEKHG5 causing Distal Spinal Muscular Atrophy, Autosomal Recessive 4 (5.2e-05 vs 0.0011), allowing no conclusion about variant significance. To our knowledge, no occurrence of c.1840G>C in individuals affected with Distal Spinal Muscular Atrophy, Autosomal Recessive 4 and no experimental evidence demonstrating its impact on protein function have been reported. ClinVar contains an entry for this variant (Variation ID: 468898). Based on the evidence outlined above, the variant was classified as uncertain significance.

Labcorp Genetics (formerly Invitae), Labcorp
Classification: Uncertain significance for Neuronopathy, distal hereditary motor, autosomal recessive 4; Charcot-Marie-Tooth disease recessive intermediate C. Last evaluated: 2024-11-11. Review status: criteria provided, single submitter. Criteria: Invitae Variant Classification Sherloc (09022015). Collection method: clinical testing. Allele origin: germline.
Comment: This sequence change replaces valine, which is neutral and non-polar, with leucine, which is neutral and non-polar, at codon 614 of the PLEKHG5 protein (p.Val614Leu). This variant is present in population databases (rs752514480, gnomAD 0.01%). This variant has not been reported in the literature in individuals affected with PLEKHG5-related conditions. ClinVar contains an entry for this variant (Variation ID: 468898). Invitae Evidence Modeling of protein sequence and biophysical properties (such as structural, functional, and spatial information, amino acid conservation, physicochemical variation, residue mobility, and thermodynamic stability) indicates that this missense variant is not expected to disrupt PLEKHG5 protein function with a negative predictive value of 80%. In summary, the available evidence is currently insufficient to determine the role of this variant in disease. Therefore, it has been classified as a Variant of Uncertain Significance.

Ambry Genetics
Classification: Uncertain significance for Inborn genetic diseases. Last evaluated: 2023-03-21. Review status: criteria provided, single submitter. Criteria: Ambry Variant Classification Scheme 2023. Collection method: clinical testing. Allele origin: germline.